The following is an entry in ClinVar:

NM_001079802.2(FKTN):c.328T>C (p.Phe110Leu)

Gene: FKTN (fukutin; plus strand). Cytogenetic location: 9q31.2.
Variant type: single nucleotide variant.
Coding change: c.328T>C on transcript NM_001079802.2 (MANE Select); coding-DNA position 328, T replaced by C.
Protein change: p.Phe110Leu; replaces phenylalanine 110 with leucine.
Molecular consequence: missense variant. On other transcripts: 5 prime UTR variant (4), non-coding transcript variant (2).
Genome position (GRCh38, 1-based): chr9:105,601,307, T>C. VCF-style: chr9-105601307-T-C. GRCh37 (hg19) VCF-style: chr9-108363588-T-C.
Other names: c.328T>C, p.Phe110Leu (NM_001198963.2, NM_001351496.2, NM_001351498.2 and 1 more transcripts); c.259T>C, p.Phe87Leu (NM_001351497.2); c.-187T>C (NM_001351499.2, NM_001351500.2, NM_001351501.2 and 1 more transcripts); short protein forms F110L, F87L.
Identifiers: ClinVar variation 1055405 (VCV001055405.9), dbSNP rs2132708103, ClinGen allele CA374331751.
Genomic context (GRCh38, chr9:105,601,307, plus strand): 5'-GTCAAAAATACTTCTCATGGCTCTACTTCACAATGCAAGTTTTTCTGTGTTCCAAGAGAC[T>C]TTACTGCATTTGCACTGCAGTATCACCTATGGAAGAATGAGGTAAGTGACTTGCTTTCAG-3'
Protein context (NP_001073270.1, residues 100-120): QCKFFCVPRD[Phe110Leu]TAFALQYHLW

ClinVar aggregate classification (germline): Uncertain significance (1 of 4 stars; one submission).

Conditions:
Walker-Warburg congenital muscular dystrophy. Also called: Muscular dystrophy-dystroglycanopathy, type A; Walker-Warburg syndrome. Identifiers: Orphanet 899, MedGen C0265221, MONDO:0000171.

Allele frequency attached by ClinVar (database versions not stated): gnomAD exomes below 0.00001.

Submission:

Labcorp Genetics (formerly Invitae), Labcorp
Classification: Uncertain significance for Walker-Warburg congenital muscular dystrophy. Last evaluated: 2022-10-17. Review status: criteria provided, single submitter. Criteria: Invitae Variant Classification Sherloc (09022015). Collection method: clinical testing. Allele origin: germline.
Comment: This sequence change replaces phenylalanine, which is neutral and non-polar, with leucine, which is neutral and non-polar, at codon 110 of the FKTN protein (p.Phe110Leu). This variant is not present in population databases (gnomAD no frequency). This variant has not been reported in the literature in individuals affected with FKTN-related conditions. ClinVar contains an entry for this variant (Variation ID: 1055405). Advanced modeling of protein sequence and biophysical properties (such as structural, functional, and spatial information, amino acid conservation, physicochemical variation, residue mobility, and thermodynamic stability) performed at Invitae indicates that this missense variant is not expected to disrupt FKTN protein function. In summary, the available evidence is currently insufficient to determine the role of this variant in disease. Therefore, it has been classified as a Variant of Uncertain Significance.